The following is an entry in ClinVar:

ClinVar aggregate classification (germline): Uncertain significance (1 of 4 stars; one submission).

Conditions:
Cardiovascular phenotype. Identifiers: MedGen CN230736.

Allele frequency attached by ClinVar (database versions not stated): gnomAD exomes below 0.00001.
gnomAD v4.1: 1 of 1,613,974 alleles (0.000062%); highest among the groups gnomAD compares: Non-Finnish European, 0.000085%; no homozygotes.

Submission:

Ambry Genetics
Classification: Uncertain significance for Cardiovascular phenotype. Last evaluated: 2022-09-27. Review status: criteria provided, single submitter. Criteria: Ambry Variant Classification Scheme 2023. Collection method: clinical testing. Allele origin: germline.
Comment: The p.P1857T variant (also known as c.5569C>A), located in coding exon 37 of the RYR2 gene, results from a C to A substitution at nucleotide position 5569. The proline at codon 1857 is replaced by threonine, an amino acid with highly similar properties. This amino acid position is poorly conserved in available vertebrate species. In addition, this alteration is predicted to be tolerated by in silico analysis. Since supporting evidence is limited at this time, the clinical significance of this alteration remains unclear.

NM_001035.3(RYR2):c.5569C>A (p.Pro1857Thr)

Gene: RYR2 (ryanodine receptor 2; plus strand). Cytogenetic location: 1q43.
Variant type: single nucleotide variant.
Coding change: c.5569C>A on transcript NM_001035.3 (MANE Select); coding-DNA position 5569, C replaced by A.
Protein change: p.Pro1857Thr; replaces proline 1857 with threonine.
Molecular consequence: missense variant.
Genome position (GRCh38, 1-based): chr1:237,614,697, C>A. VCF-style: chr1-237614697-C-A. GRCh37 (hg19) VCF-style: chr1-237777997-C-A.
Other names: short protein forms P1857T.
Identifiers: ClinVar variation 1748340 (VCV001748340.2), dbSNP rs2546796933, ClinGen allele CA345405311.
Genomic context (GRCh38, chr1:237,614,697, plus strand): 5'-GAGGACTTGAAGCACATCTTGCAGTTGATTGAGCCCAGTGTGTTTAAAGAAGCTGCCACT[C>A]CGGAGGAGGAGAGTGACACGCTGGAGAAAGAGCTCAGTGTGGACGATGCAAAGCTGCAAG-3'
Protein context (NP_001026.2, residues 1847-1867): EPSVFKEAAT[Pro1857Thr]EEESDTLEKE